The following is an entry in ClinVar:

ClinVar aggregate classification (germline): Pathogenic (1 of 4 stars; one submission).

Conditions:
Myasthenic syndrome, congenital, 22 (CMS22). Also called: PREPL DEFICIENCY. Identifiers: MedGen C4479088, MONDO:0044299, OMIM 616224.

Submission:

Labcorp Genetics (formerly Invitae), Labcorp
Classification: Pathogenic for Myasthenic syndrome, congenital, 22. Last evaluated: 2019-12-19. Review status: criteria provided, single submitter. Criteria: Invitae Variant Classification Sherloc (09022015). Collection method: clinical testing. Allele origin: germline.
Comment: A gross deletion of the genomic region encompassing the full coding sequence of the PREPL gene has been identified. The boundaries of this event are unknown as the deletion extends beyond the assayed region for this gene and therefore may encompass additional genes. This variant has been observed on the opposite chromosome (in trans) from an individual affected with PREPL deficiency (PMID: 28726805). This finding is consistent with autosomal recessive inheritance, and suggests that this variant contributes to disease. Loss-of-function variants in PREPL are known to be pathogenic (PMID: 24610330, 28726805, 29913539). For these reasons, this variant has been classified as Pathogenic.

Literature cited by the submitters: PubMed 28726805.

NC_000002.12:g.(?_44321346)_(44359725_?)del

Gene: PREPL (prolyl endopeptidase like; minus strand). Cytogenetic location: 2p21.
Variant type: Deletion.
Identifiers: ClinVar variation 830511 (VCV000830511.1).